The following is an entry in ClinVar:

NM_000540.3(RYR1):c.14141G>A (p.Ser4714Asn)

Gene: RYR1 (ryanodine receptor 1; plus strand). Cytogenetic location: 19q13.2.
Variant type: single nucleotide variant.
Coding change: c.14141G>A on transcript NM_000540.3 (MANE Select); coding-DNA position 14141, G replaced by A.
Protein change: p.Ser4714Asn; replaces serine 4714 with asparagine.
Molecular consequence: missense variant.
Genome position (GRCh38, 1-based): chr19:38,575,930, G>A. VCF-style: chr19-38575930-G-A. GRCh37 (hg19) VCF-style: chr19-39066570-G-A.
Other names: c.14126G>A, p.Ser4709Asn (NM_001042723.2); short protein forms S4709N, S4714N.
Identifiers: ClinVar variation 3074068 (VCV003074068.1), dbSNP rs1973938468, ClinGen allele CA405683258.

ClinVar aggregate classification (germline): Uncertain significance (1 of 4 stars; one submission).

Conditions:
Malignant hyperthermia, susceptibility to, 1 (MHS1). Also called: Anesthesia related hyperthermia; Malignant hyperpyrexia; Fulminating hyperpyrexia; Pharmacogenic myopathy; RYR1-Related Malignant Hyperthermia Susceptibility; Malignant hyperthermia suceptibility 1. Identifiers: Orphanet 423, MedGen C2930980, MONDO:0007783, OMIM 145600.

Allele frequency attached by ClinVar (database versions not stated): gnomAD exomes below 0.00001; TOPMed below 0.00001; gnomAD 0.00001.
gnomAD v4.1: 2 of 1,614,008 alleles (0.00012%); highest among the groups gnomAD compares: Non-Finnish European, 0.00017%; no homozygotes.

Submission:

All of Us Research Program, National Institutes of Health
Classification: Uncertain significance for Malignant hyperthermia, susceptibility to, 1. Last evaluated: 2023-10-23. Review status: criteria provided, single submitter. Criteria: ACMG Guidelines, 2015. Collection method: clinical testing. Allele origin: germline. Inheritance: Autosomal dominant inheritance. Observed: 1 variant allele, 1 heterozygote.
Comment: This missense variant replaces serine with asparagine at codon 4714 of the RYR1 protein. Computational prediction suggests that this variant may not impact protein structure and function (internally defined REVEL score threshold <= 0.5, PMID: 27666373). To our knowledge, functional studies have not been reported for this variant. This variant has not been reported in individuals affected with RYR1-related disorders in the literature. This variant has not been identified in the general population by the Genome Aggregation Database (gnomAD). The available evidence is insufficient to determine the role of this variant in disease conclusively. Therefore, this variant is classified as a Variant of Uncertain Significance.

This study involves interpretation of variants in research participants for the purpose of population health screening. Participant phenotype was not available at the time of variant classification. Additional details can be found in publication PMID: 35346344, PMCID: PMC8962531